The following is an entry in ClinVar:

NM_001407.3(CELSR3):c.4626-9C>A

Gene: CELSR3 (cadherin EGF LAG seven-pass G-type receptor 3; minus strand). Cytogenetic location: 3p21.31.
Variant type: single nucleotide variant.
Coding change: c.4626-9C>A on transcript NM_001407.3 (MANE Select); 9 bases into the intron before coding-DNA position 4626, C replaced by A.
Molecular consequence: intron variant.
Genome position (GRCh38, 1-based): chr3:48,655,860, G>T on the plus strand (C>A on the coding strand, the complement: CELSR3 is on the minus strand). VCF-style: chr3-48655860-G-T. GRCh37 (hg19) VCF-style: chr3-48693293-G-T.
Other names: NC_000003.11:g.48693293G>T.
Identifiers: ClinVar variation 3055595 (VCV003055595.4), dbSNP rs139167095, ClinGen allele CA2384936.

ClinVar aggregate classification (germline): Benign. Review status: criteria provided, single submitter (1 of 4 stars). 2 submissions from 2 submitters: Benign (1). 1 of the submissions does not count toward it. Last evaluated 2024-11-26.

Conditions:
CELSR3-related disorder. Also called: CELSR3-related condition.

Allele frequency attached by ClinVar (database versions not stated): 1000 Genomes Project 0.00759; 1000 Genomes Project 30x 0.00781; TOPMed 0.01529; gnomAD 0.01712; ESP Exome Variant Server 0.01942; ExAC 0.02340; gnomAD exomes 0.02514.
gnomAD v4.1: 34,868 of 1,445,134 alleles (2.4%); highest among the groups gnomAD compares: Non-Finnish European, 2.9%; 608 homozygotes.

Submissions (7):

Blueprint Genetics
Classification: Benign. Last evaluated: 2024-11-26. Review status: criteria provided, single submitter. Criteria: ACMG Guidelines, 2015. Collection method: clinical testing. Allele origin: germline.

PreventionGenetics, part of Exact Sciences
Classification: Benign for CELSR3-related condition. Last evaluated: 2019-04-29. Review status: no assertion criteria provided. Collection method: clinical testing. Allele origin: germline. Not counted in ClinVar's aggregate classification.
Comment: This variant is classified as benign based on ACMG/AMP sequence variant interpretation guidelines (Richards et al. 2015 PMID: 25741868, with internal and published modifications).

Dr. Peter K. Rogan Lab, Western University
No classification provided (evidence only). Condition: Ovarian serous cystadenocarcinoma. Review status: no classification provided. Collection method: in vitro. Allele origin: not applicable. Functional consequence: retained intron. Not counted in ClinVar's aggregate classification.

Dr. Peter K. Rogan Lab, Western University
No classification provided (evidence only). Condition: Gastric cancer. Review status: no classification provided. Collection method: in vitro. Allele origin: not applicable. Functional consequence: retained intron. Not counted in ClinVar's aggregate classification.

Dr. Peter K. Rogan Lab, Western University
No classification provided (evidence only). Condition: Malignant tumor of esophagus. Review status: no classification provided. Collection method: in vitro. Allele origin: not applicable. Functional consequence: retained intron. Not counted in ClinVar's aggregate classification.

Dr. Peter K. Rogan Lab, Western University
No classification provided (evidence only). Condition: Malignant tumor of esophagus. Review status: no classification provided. Collection method: in vitro. Allele origin: not applicable. Functional consequence: retained intron. Not counted in ClinVar's aggregate classification.

Dr. Peter K. Rogan Lab, Western University
No classification provided (evidence only). Condition: Lymphoma. Review status: no classification provided. Collection method: in vitro. Allele origin: not applicable. Functional consequence: retained intron. Not counted in ClinVar's aggregate classification.